The following is an entry in ClinVar:

NM_001080414.4(CCDC88C):c.3418C>T (p.Gln1140Ter)

Gene: CCDC88C (coiled-coil and HOOK domain protein 88C; minus strand). Cytogenetic location: 14q32.11.
Variant type: single nucleotide variant.
Coding change: c.3418C>T on transcript NM_001080414.4 (MANE Select); coding-DNA position 3418, C replaced by T.
Protein change: p.Gln1140Ter; replaces glutamine 1140 with a stop codon.
Molecular consequence: nonsense. On other transcripts: non-coding transcript variant (2).
Genome position (GRCh38, 1-based): chr14:91,303,918, G>A on the plus strand (C>T on the coding strand, the complement: CCDC88C is on the minus strand). VCF-style: chr14-91303918-G-A. GRCh37 (hg19) VCF-style: chr14-91770262-G-A.
Other names: short protein forms Q1140*.
Identifiers: ClinVar variation 5016112 (VCV005016112.1).

ClinVar aggregate classification (germline): Pathogenic (1 of 4 stars; one submission).

Conditions:
Hydrocephalus, nonsyndromic, autosomal recessive 1 (HYC1). Also called: Hydrocephalus, nonsyndromic, autosomal recessive; Congenital hydrocephalus 1. Identifiers: Orphanet 2185, MedGen C3887608, MONDO:0009360, OMIM 236600.

Submission:

Myriad Genetics, Inc.
Classification: Pathogenic for Hydrocephalus, nonsyndromic, autosomal recessive 1. Last evaluated: 2026-07-09. Review status: criteria provided, single submitter. Criteria: Myriad Autosomal Dominant, Autosomal Recessive and X-Linked Classification Criteria (2023). Collection method: clinical testing. Allele origin: unknown.
Comment: NM_001080414.3(CCDC88C):c.3418C>T(Q1140*) is expected to be pathogenic in the context of congenital hydrocephalus, CCDC88C-related. This variant is predicted to lead to an abnormal or absent protein product due to the creation of a premature termination codon in CCDC88C, a gene where loss-of-function variants are known to be pathogenic. Please note: this variant was assessed in the context of healthy population screening.